The following is an entry in ClinVar:

NM_001040142.2(SCN2A):c.2657T>C (p.Leu886Ser)

Gene: SCN2A (sodium voltage-gated channel alpha subunit 2; plus strand). Cytogenetic location: 2q24.3.
Variant type: single nucleotide variant.
Coding change: c.2657T>C on transcript NM_001040142.2 (MANE Select); coding-DNA position 2657, T replaced by C.
Protein change: p.Leu886Ser; replaces leucine 886 with serine.
Molecular consequence: missense variant.
Genome position (GRCh38, 1-based): chr2:165,344,649, T>C. VCF-style: chr2-165344649-T-C. GRCh37 (hg19) VCF-style: chr2-166201159-T-C.
Other names: p.L886S:TTG>TCG; NM_001040142.2(SCN2A):c.2657T>C; p.Leu886Ser; c.2657T>C, p.Leu886Ser (NM_001040143.2, NM_001371246.1, NM_001371247.1 and 1 more transcripts); short protein forms L886S.
Identifiers: ClinVar variation 206972 (VCV000206972.8), dbSNP rs796053118, ClinGen allele CA317886.

ClinVar aggregate classification (germline): Likely pathogenic. Review status: reviewed by expert panel (3 of 4 stars). 4 submissions from 4 submitters: Likely pathogenic (1). 3 of the submissions do not count toward it. Last evaluated 2025-03-25.

Conditions:
Developmental and epileptic encephalopathy. Identifiers: MedGen C5779964, MONDO:0100620.
Complex neurodevelopmental disorder. Identifiers: Orphanet 528084, MedGen C5568766, MONDO:0100038.
Seizures, benign familial infantile, 3 (BFIS3). Also called: CONVULSIONS, BENIGN FAMILIAL INFANTILE, 3; Familial neonatal seizures. Identifiers: Orphanet 140927, Orphanet 306, MedGen C1843140, MONDO:0011904, OMIM 607745.
Developmental and epileptic encephalopathy, 11 (DEE11). Also called: Early infantile epileptic encephalopathy 11. Identifiers: Orphanet 1934, MedGen C3150987, MONDO:0013388, OMIM 613721.

Submissions (4):

ClinGen Epilepsy Sodium Channel Variant Curation Expert Panel, Clingen
Classification: Likely pathogenic for Complex neurodevelopmental disorder. Last evaluated: 2025-03-25. Review status: reviewed by expert panel. Criteria: ClinGen EpilepsySCN ACMG Specifications SCN2A V2.0.0. Collection method: curation. Allele origin: germline. Inheritance: Autosomal dominant inheritance.
Comment: The c.2657T>C variant in SCN2A is a missense variant predicted to cause a substitution of leucine by serine at amino acid 886 (p.Leu886Ser). This variant has been identified as a de novo occurrence with unconfirmed parental relationships in 2 individuals with a complex neurodevelopmental disorder (PM6); (PMID: 3541799; internal data GeneDx). It has also been identified in an additional proband with a complex neurodevelopmental disorder (PS4_supporting) (internal data, Labcorp). This variant is absent from gnomAD v4.0) (PM2_supporting). The computational predictor REVEL gives a score of 0.971, evidence that correlates with impact to SCN2A function (PP3_moderate). This variant resides within a region of SCN2A that is defined as a mutation hotspot by the ClinGen Epilepsy Sodium Channel VCEP (PM1). In summary, this variant meets the criteria to be classified as Likely Pathogenic for autosomal dominant complex neurodevelopmental disorder based on the ACMG/AMP criteria applied, as specified by the ClinGen Epilepsy Sodium Channel VCEP: (PP3_moderate, PM1, PM6, PM2_supporting, PS4_supporting). Approved March 25, 2025.

Labcorp Genetics (formerly Invitae), Labcorp
Classification: Uncertain significance for Seizures, benign familial infantile, 3; Developmental and epileptic encephalopathy, 11. Last evaluated: 2017-10-28. Review status: criteria provided, single submitter. Criteria: Invitae Variant Classification Sherloc (09022015). Collection method: clinical testing. Allele origin: germline. Not counted in ClinVar's aggregate classification.
Comment: This sequence change replaces leucine with serine at codon 886 of the SCN2A protein (p.Leu886Ser). The leucine residue is highly conserved and there is a large physicochemical difference between leucine and serine. This variant is not present in population databases (ExAC no frequency). This variant has not been reported in the literature in individuals with SCN2A-related disease. ClinVar contains an entry for this variant (Variation ID: 206972). Algorithms developed to predict the effect of missense changes on protein structure and function do not agree on the potential impact of this missense change (SIFT: "Deleterious"; PolyPhen-2: "Probably Damaging"; Align-GVGD: "Class C0"). In summary, the available evidence is currently insufficient to determine the role of this variant in disease. Therefore, it has been classified as a Variant of Uncertain Significance.

GeneDx
Classification: Likely pathogenic. Last evaluated: 2014-01-06. Review status: criteria provided, single submitter. Criteria: GeneDx Variant Classification (06012015). Collection method: clinical testing. Allele origin: germline. Affected: yes. Not counted in ClinVar's aggregate classification.
Comment: The Leu886Ser missense change in the SCN2A gene has not been published as a mutation, nor has it been reported as a benign polymorphism to our knowledge. It was not observed in approximately 6,500 individuals of European and African American ancestry in the NHLBI Exome Sequencing Project, indicating it is not a common benign variant in these populations. This variant is a non-conservative amino acid substitution of a non-polar Leucine residue with a polar Serine residue. It alters a highly conserved position in the S5 subunit of the second transmembrane domain. Additionally, in silico analysis predicts this variant is probably damaging to the protein structure/function. However, based on the currently available information, it is unclear whether Leu886Ser is a disease-causing mutation or a rare benign variant. The variant is found in INFANT-EPI panel(s).

Neurology Department, Shenzhen Children's Hospital
Classification: Pathogenic for Early-infantile DEE. Last evaluated: 2022-02-16. Review status: no assertion criteria provided. Collection method: clinical testing. Allele origin: de novo. Affected: yes. Not counted in ClinVar's aggregate classification.